The following is an entry in ClinVar:

ClinVar aggregate classification (germline): Pathogenic. Review status: criteria provided, multiple submitters, no conflicts (2 of 4 stars). 2 submissions from 2 submitters: Pathogenic (2). Last evaluated 2025-01-03.

Conditions:
Marfan syndrome (MFS). Also called: MARFAN SYNDROME, TYPE I; FBN1-Related Marfan Syndrome; Marfan syndrome type 1; Marfan's syndrome; Marfan syndrome, classic. Identifiers: Orphanet 284963, Orphanet 558, MedGen C0024796, MONDO:0007947, OMIM 154700.
Familial thoracic aortic aneurysm and aortic dissection (TAAD). Also called: Thoracic aortic aneurysms and dissections. Identifiers: Orphanet 91387, MedGen C4707243, MONDO:0019625.

Submissions (2):

Labcorp Genetics (formerly Invitae), Labcorp
Classification: Pathogenic for Marfan syndrome; Familial thoracic aortic aneurysm and aortic dissection. Last evaluated: 2025-01-03. Review status: criteria provided, single submitter. Criteria: Invitae Variant Classification Sherloc (09022015). Collection method: clinical testing. Allele origin: germline.
Comment: This sequence change creates a premature translational stop signal (p.Gln1179*) in the FBN1 gene. It is expected to result in an absent or disrupted protein product. Loss-of-function variants in FBN1 are known to be pathogenic (PMID: 17657824, 19293843). This variant is not present in population databases (gnomAD no frequency). This variant has not been reported in the literature in individuals affected with FBN1-related conditions. ClinVar contains an entry for this variant (Variation ID: 684764). For these reasons, this variant has been classified as Pathogenic.

Petrovsky National Research Centre of Surgery, The Federal Agency for Scientific Organizations
Classification: Pathogenic for Marfan syndrome. Last evaluated: 2019-08-19. Review status: criteria provided, single submitter. Criteria: ACMG Guidelines, 2015. Collection method: clinical testing. Allele origin: unknown. Inheritance: Autosomal dominant inheritance. Affected: yes. Observed: 1 heterozygote.
Comment: Loss-of-function variants in FBN1 gene are known to be pathogenic (PMID: 17657824, 19293843)(ExAC pLI = 1.00).

Literature cited by the submitters: PubMed 17657824 (cited by Labcorp Genetics (formerly Invitae), Labcorp); PubMed 19293843 (cited by Labcorp Genetics (formerly Invitae), Labcorp).

NM_000138.5(FBN1):c.3535C>T (p.Gln1179Ter)

Gene: FBN1 (fibrillin 1; minus strand). Cytogenetic location: 15q21.1.
Variant type: single nucleotide variant.
Coding change: c.3535C>T on transcript NM_000138.5 (MANE Select); coding-DNA position 3535, C replaced by T.
Protein change: p.Gln1179Ter; replaces glutamine 1179 with a stop codon.
Molecular consequence: nonsense.
Genome position (GRCh38, 1-based): chr15:48,487,129, G>A on the plus strand (C>T on the coding strand, the complement: FBN1 is on the minus strand). VCF-style: chr15-48487129-G-A. GRCh37 (hg19) VCF-style: chr15-48779326-G-A.
Other names: short protein forms Q1179*.
Identifiers: ClinVar variation 684764 (VCV000684764.5), dbSNP rs1364210063, ClinGen allele CA392325075.